The following is an entry in ClinVar:

ClinVar aggregate classification (germline): Likely benign. Review status: criteria provided, single submitter (1 of 4 stars). 2 submissions from 2 submitters: Likely benign (1). 1 of the submissions does not count toward it. Last evaluated 2022-05-10.

Conditions:
CD164-related disorder. Also called: CD164-related condition.

Submissions (2):

Labcorp Genetics (formerly Invitae), Labcorp
Classification: Likely benign. Last evaluated: 2022-05-10. Review status: criteria provided, single submitter. Criteria: Invitae Variant Classification Sherloc (09022015). Collection method: clinical testing. Allele origin: germline.

PreventionGenetics, part of Exact Sciences
Classification: Likely benign for CD164-related condition. Last evaluated: 2021-03-15. Review status: no assertion criteria provided. Collection method: clinical testing. Allele origin: germline. Not counted in ClinVar's aggregate classification.
Comment: This variant is classified as likely benign based on ACMG/AMP sequence variant interpretation guidelines (Richards et al. 2015 PMID: 25741868, with internal and published modifications).

NM_006016.6(CD164):c.168G>C (p.Pro56=)

Gene: CD164 (CD164 molecule; minus strand). Cytogenetic location: 6q21.
Variant type: single nucleotide variant.
Coding change: c.168G>C on transcript NM_006016.6 (MANE Select); coding-DNA position 168, G replaced by C.
Protein change: p.Pro56=; no amino-acid change (proline 56 retained).
Molecular consequence: synonymous variant.
Genome position (GRCh38, 1-based): chr6:109,382,211, C>G on the plus strand (G>C on the coding strand, the complement: CD164 is on the minus strand). VCF-style: chr6-109382211-C-G. GRCh37 (hg19) VCF-style: chr6-109703414-C-G.
Other names: c.168G>C (NM_006016.5); c.168G>C, p.Pro56= (NM_001142401.3, NM_001142402.3, NM_001142403.3 and 1 more transcripts).
Identifiers: ClinVar variation 2128400 (VCV002128400.6), dbSNP rs1192435598, ClinGen allele CA451742546.